The following is an entry in ClinVar:

ClinVar aggregate classification (germline): Benign (0 of 4 stars; one submission).

Conditions:
Duchenne muscular dystrophy (DMD). Also called: MUSCULAR DYSTROPHY, PSEUDOHYPERTROPHIC PROGRESSIVE, DUCHENNE TYPE; Duchenne Muscular Dystrophy (DMD). Identifiers: Orphanet 98896, MedGen C0013264, MONDO:0010679, OMIM 310200.

Submission:

Provincial Medical Genetics Program of British Columbia, University of British Columbia
Classification: Benign for Duchenne muscular dystrophy. Last evaluated: 2020-12-07. Review status: no assertion criteria provided. Collection method: clinical testing. Allele origin: maternal. Inheritance: X-linked recessive inheritance. Affected: no. Observed: 1 heterozygote.
Comment: Analysis of each DMD allele showed an intact DMD locus on each allele. Haplotype-specific alignment and analysis of the short-read sequences did not identify a DMD pathogenic or likely pathogenic variant and confirmed the breakpoint identified by long read sequencing. This determined that the duplication did not disrupt the DMD gene.

Single allele

Genes: DMD (dystrophin; minus strand), FTHL17 (ferritin heavy chain like 17; minus strand). Cytogenetic location: Xp21.2.
Variant type: Duplication.
Identifiers: ClinVar variation 989388 (VCV000989388.4).